The following is an entry in ClinVar:

ClinVar aggregate classification (germline): Uncertain significance (1 of 4 stars; one submission).

Conditions:
Cardiovascular phenotype. Identifiers: MedGen CN230736.
Hereditary cancer-predisposing syndrome. Also called: Neoplastic Syndromes, Hereditary; Tumor predisposition; Hereditary Cancer Syndrome; Hereditary neoplastic syndrome. Identifiers: Orphanet 140162, MedGen C0027672, MeSH D009386, MONDO:0015356.

Submission:

Ambry Genetics
Classification: Uncertain significance for Cardiovascular phenotype; Hereditary cancer-predisposing syndrome. Last evaluated: 2026-06-10. Review status: criteria provided, single submitter. Criteria: Ambry Variant Classification Scheme 2023. Collection method: clinical testing. Allele origin: germline.
Comment: The p.Q220L variant (also known as c.659A>T), located in coding exon 8 of the LZTR1 gene, results from an A to T substitution at nucleotide position 659. The glutamine at codon 220 is replaced by leucine, an amino acid with dissimilar properties. This amino acid position is conserved. In addition, this alteration is predicted to be tolerated by in silico analysis. Based on the available evidence, the clinical significance of this variant remains unclear.

NM_006767.4(LZTR1):c.659A>T (p.Gln220Leu)

Gene: LZTR1 (leucine zipper like post translational regulator 1; plus strand). Cytogenetic location: 22q11.21.
Variant type: single nucleotide variant.
Coding change: c.659A>T on transcript NM_006767.4 (MANE Select); coding-DNA position 659, A replaced by T.
Protein change: p.Gln220Leu; replaces glutamine 220 with leucine.
Molecular consequence: missense variant.
Genome position (GRCh38, 1-based): chr22:20,990,393, A>T. VCF-style: chr22-20990393-A-T. GRCh37 (hg19) VCF-style: chr22-21344682-A-T.
Other names: short protein forms Q220L.
Identifiers: ClinVar variation 4859431 (VCV004859431.1).